The following is an entry in ClinVar:

NM_020533.3(MCOLN1):c.1576-3dup

Gene: MCOLN1 (mucolipin TRP cation channel 1; plus strand). Cytogenetic location: 19p13.2.
Variant type: Duplication.
Coding change: c.1576-3dup on transcript NM_020533.3 (MANE Select); 3 bases into the intron before coding-DNA position 1576, one base duplicated (C; older notation c.1576-3dupC).
Molecular consequence: intron variant.
Genome position (GRCh38, 1-based): chr19:7,533,520, C duplicated; the last of 4 consecutive C bases (chr19:7,533,517-7,533,520); duplicating any one gives the same sequence. VCF-style (leftmost placement, unchanged base first): chr19-7533516-T-TC. GRCh37 (hg19) VCF-style: chr19-7598402-T-TC.
Other names: c.1576-3dupC (NM_020533.2).
Identifiers: ClinVar variation 794192 (VCV000794192.12), dbSNP rs762591325, ClinGen allele CA9139197.

ClinVar aggregate classification (germline): Likely benign. Review status: criteria provided, single submitter (1 of 4 stars). 2 submissions from 2 submitters: Likely benign (1). 1 of the submissions does not count toward it. Last evaluated 2024-02-19.

Conditions:
Mucolipidosis type IV (ML4). Also called: ML IV. Identifiers: Orphanet 578, MedGen C0238286, MONDO:0009653, OMIM 252650.
MCOLN1-related disorder. Also called: MCOLN1-related condition.

Submissions (2):

Labcorp Genetics (formerly Invitae), Labcorp
Classification: Likely benign for Mucolipidosis type IV. Last evaluated: 2024-02-19. Review status: criteria provided, single submitter. Criteria: Invitae Variant Classification Sherloc (09022015). Collection method: clinical testing. Allele origin: germline.

PreventionGenetics, part of Exact Sciences
Classification: Likely benign for MCOLN1-related condition. Last evaluated: 2020-11-23. Review status: no assertion criteria provided. Collection method: clinical testing. Allele origin: germline. Not counted in ClinVar's aggregate classification.
Comment: This variant is classified as likely benign based on ACMG/AMP sequence variant interpretation guidelines (Richards et al. 2015 PMID: 25741868, with internal and published modifications).